The following is an entry in ClinVar:

ClinVar aggregate classification (germline): Conflicting classifications of pathogenicity. Review status: criteria provided, conflicting classifications (1 of 4 stars). 2 submissions from 2 submitters: Uncertain significance (1); Benign (1). Last evaluated 2023-07-21.

Conditions:
Cardiovascular phenotype. Identifiers: MedGen CN230736.
Hypercholesterolemia, autosomal dominant, type B (FHCL2). Also called: APOB-Related Familial Hypercholesterolemia, Autosomal Dominant; Hyperlipoproteinemia Type IIb; Familial Hypercholesterolemia Type B; APOLIPOPROTEIN B-100, FAMILIAL DEFECTIVE; APOLIPOPROTEIN B-100, FAMILIAL LIGAND-DEFECTIVE; Familial hypercholesterolemia 2. Identifiers: MedGen C1704417, MONDO:0007751, OMIM 144010.
Familial hypobetalipoproteinemia 1. Also called: APOB-Related Familial Hypobetalipoproteinemia; Hypobetalipoproteinemia, normotriglyceridemic; Acanthocytosis with hypobetalipoproteinemia. Identifiers: MedGen C4551990, MONDO:0014252, OMIM 615558.

Allele frequency attached by ClinVar (database versions not stated): gnomAD 0.00001; gnomAD exomes 0.00001 and 0.00004; ExAC 0.00002; TOPMed 0.00002.
gnomAD v4.1: 10 of 1,591,288 alleles (0.00063%); highest among the groups gnomAD compares: East Asian, 0.011%; no homozygotes.

Submissions (2):

Labcorp Genetics (formerly Invitae), Labcorp
Classification: Benign for Familial hypobetalipoproteinemia 1; Hypercholesterolemia, autosomal dominant, type B. Last evaluated: 2023-07-21. Review status: criteria provided, single submitter. Criteria: Invitae Variant Classification Sherloc (09022015). Collection method: clinical testing. Allele origin: germline.

Ambry Genetics
Classification: Uncertain significance for Cardiovascular phenotype. Last evaluated: 2020-12-23. Review status: criteria provided, single submitter. Criteria: Ambry Variant Classification Scheme 2023. Collection method: clinical testing. Allele origin: germline.
Comment: The p.D4146N variant (also known as c.12436G>A), located in coding exon 29 of the APOB gene, results from a G to A substitution at nucleotide position 12436. The aspartic acid at codon 4146 is replaced by asparagine, an amino acid with highly similar properties. This amino acid position is not well conserved in available vertebrate species, and asparagine is the reference amino acid in other vertebrate species. In addition, this alteration is predicted to be tolerated by in silico analysis. Since supporting evidence is limited at this time, the clinical significance of this alteration remains unclear.

NM_000384.3(APOB):c.12436G>A (p.Asp4146Asn)

Gene: APOB (apolipoprotein B; minus strand). Cytogenetic location: 2p24.1.
Variant type: single nucleotide variant.
Coding change: c.12436G>A on transcript NM_000384.3 (MANE Select); coding-DNA position 12436, G replaced by A.
Protein change: p.Asp4146Asn; replaces aspartic acid 4146 with asparagine.
Molecular consequence: missense variant.
Genome position (GRCh38, 1-based): chr2:21,002,986, C>T on the plus strand (G>A on the coding strand, the complement: APOB is on the minus strand). VCF-style: chr2-21002986-C-T. GRCh37 (hg19) VCF-style: chr2-21225858-C-T.
Other names: short protein forms D4146N.
Identifiers: ClinVar variation 630239 (VCV000630239.9), dbSNP rs778195760, ClinGen allele CA050286.